The following is an entry in ClinVar:

NM_005220.3(DLX3):c.*928A>G

Gene: DLX3 (distal-less homeobox 3; minus strand). Cytogenetic location: 17q21.33.
Variant type: single nucleotide variant.
Coding change: c.*928A>G on transcript NM_005220.3 (MANE Select); 928 bases downstream of the stop codon, A replaced by G.
Molecular consequence: 3 prime UTR variant.
Genome position (GRCh38, 1-based): chr17:49,990,589, T>C on the plus strand (A>G on the coding strand, the complement: DLX3 is on the minus strand). VCF-style: chr17-49990589-T-C. GRCh37 (hg19) VCF-style: chr17-48067953-T-C.
Identifiers: ClinVar variation 324013 (VCV000324013.6), dbSNP rs12452477, ClinGen allele CA10640029.

ClinVar aggregate classification (germline): Benign. Review status: criteria provided, multiple submitters, no conflicts (2 of 4 stars). 2 submissions from 2 submitters: Benign (2). Last evaluated 2018-01-12.

Conditions:
Hypomaturation-hypoplastic amelogenesis imperfecta with taurodontism. Also called: Amelogenesis imperfecta, type IV. Identifiers: Orphanet 100034, Orphanet 88661, MedGen C1863012, MONDO:0007093, OMIM 104510. Disease mechanism: loss of function.

Allele frequency attached by ClinVar (database versions not stated): 1000 Genomes Project 30x 0.64741; 1000 Genomes Project 0.65335; TOPMed 0.70649; gnomAD 0.71982 and 0.72043; gnomAD exomes 0.86937.

Submissions (2):

Illumina Laboratory Services, Illumina
Classification: Benign for Hypomaturation-hypoplastic amelogenesis imperfecta with taurodontism. Last evaluated: 2018-01-12. Review status: criteria provided, single submitter. Criteria: ICSL Variant Classification Criteria 13 December 2019. Collection method: clinical testing. Allele origin: germline.
Comment: This variant was observed in the ICSL laboratory as part of a predisposition screen in an ostensibly healthy population. It had not been previously curated by ICSL or reported in the Human Gene Mutation Database (HGMD: prior to June 1st, 2018), and was therefore a candidate for classification through an automated scoring system. Utilizing variant allele frequency, disease prevalence and penetrance estimates, and inheritance mode, an automated score was calculated to assess if this variant is too frequent to cause the disease. Based on the score and internal cut-off values, a variant classified as benign is not then subjected to further curation. The score for this variant resulted in a classification of benign for this disease.

Breakthrough Genomics
Classification: Benign. Review status: criteria provided, single submitter. Criteria: ACMG Guidelines, 2015. Collection method: not provided. Allele origin: germline. Inheritance: Autosomal dominant inheritance. Affected: yes.